The following is an entry in ClinVar:

NM_001134407.3(GRIN2A):c.2123T>G (p.Phe708Cys)

Gene: GRIN2A (glutamate ionotropic receptor NMDA type subunit 2A; minus strand). Cytogenetic location: 16p13.2.
Variant type: single nucleotide variant.
Coding change: c.2123T>G on transcript NM_001134407.3 (MANE Select); coding-DNA position 2123, T replaced by G.
Protein change: p.Phe708Cys; replaces phenylalanine 708 with cysteine.
Molecular consequence: missense variant.
Genome position (GRCh38, 1-based): chr16:9,822,309, A>C on the plus strand (T>G on the coding strand, the complement: GRIN2A is on the minus strand). VCF-style: chr16-9822309-A-C. GRCh37 (hg19) VCF-style: chr16-9916166-A-C.
Other names: p.Phe708Cys; c.2123T>G, p.Phe708Cys (NM_000833.5, NM_001134408.2); short protein forms F708C.
Identifiers: ClinVar variation 4857491 (VCV004857491.1).

ClinVar aggregate classification (germline): Likely pathogenic (1 of 4 stars; one submission).

Conditions:
Landau-Kleffner syndrome (FESD). Also called: EPILEPSY, FOCAL, WITH SPEECH DISORDER AND WITH OR WITHOUT MENTAL RETARDATION; APHASIA, ACQUIRED, WITH EPILEPSY. Identifiers: Orphanet 1945, Orphanet 725, Orphanet 98818, MedGen C0282512, MONDO:0009509, OMIM 245570.

Submission:

Medical Genetics Clinic, University of Catania
Classification: Likely pathogenic for Landau-Kleffner syndrome. Last evaluated: 2026-05-27. Review status: criteria provided, single submitter. Criteria: ACMG Guidelines, 2015. Collection method: clinical testing. Allele origin: paternal. Inheritance: Autosomal dominant inheritance. Affected: yes. Observed: 1 variant allele, 1 heterozygote.
Comment: The c.2123T>G variant in GRIN2A is a missense variant located in exon 10 of the gene. This variant alters the physicochemical properties of the residue, replacing a large, non-polar aromatic amino acid with a smaller, polar sulfur-containing amino acid at position 708 (p.Phe708Cys). In silico prediction tools suggest a detrimental effect on the structure/activity of the protein (MutationTaster: disease causing, Polyphen2: probably damaging). In the light of the above and clinical features of the proband the c.2123T>G variant in the GRIN2A gene has been classified as a likely pathogenic variant.